The following is an entry in ClinVar:

NM_000890.5(KCNJ5):c.*804G>T

Gene: KCNJ5 (potassium inwardly rectifying channel subfamily J member 5; plus strand). Cytogenetic location: 11q24.3.
Variant type: single nucleotide variant.
Coding change: c.*804G>T on transcript NM_000890.5 (MANE Select); 804 bases downstream of the stop codon, G replaced by T.
Molecular consequence: 3 prime UTR variant.
Genome position (GRCh38, 1-based): chr11:128,917,535, G>T. VCF-style: chr11-128917535-G-T. GRCh37 (hg19) VCF-style: chr11-128787430-G-T.
Other names: c.*804G>T (LRG_333t1, NM_001354169.2).
Identifiers: ClinVar variation 303649 (VCV000303649.9), dbSNP rs2604204, ClinGen allele CA10637894.

ClinVar aggregate classification (germline): Benign. Review status: criteria provided, multiple submitters, no conflicts (2 of 4 stars). 3 submissions from 3 submitters: Benign (3). Last evaluated 2021-05-12.

Conditions:
Familial hyperaldosteronism type III. Also called: FH III; Familial hyperaldosteronism type 3. Identifiers: Orphanet 251274, MedGen C3838758, MONDO:0013359, OMIM 613677.

Allele frequency attached by ClinVar (database versions not stated): 1000 Genomes Project 30x 0.73563; 1000 Genomes Project 0.73542; gnomAD 0.74026 and 0.74160; TOPMed 0.74460.

Submissions (3):

GeneDx
Classification: Benign. Last evaluated: 2021-05-12. Review status: criteria provided, single submitter. Criteria: GeneDx Variant Classification Process June 2021. Collection method: clinical testing. Allele origin: germline. Affected: yes.

Illumina Laboratory Services, Illumina
Classification: Benign for Familial hyperaldosteronism type III. Last evaluated: 2018-01-12. Review status: criteria provided, single submitter. Criteria: ICSL Variant Classification Criteria 13 December 2019. Collection method: clinical testing. Allele origin: germline.
Comment: This variant was observed in the ICSL laboratory as part of a predisposition screen in an ostensibly healthy population. It had not been previously curated by ICSL or reported in the Human Gene Mutation Database (HGMD: prior to June 1st, 2018), and was therefore a candidate for classification through an automated scoring system. Utilizing variant allele frequency, disease prevalence and penetrance estimates, and inheritance mode, an automated score was calculated to assess if this variant is too frequent to cause the disease. Based on the score and internal cut-off values, a variant classified as benign is not then subjected to further curation. The score for this variant resulted in a classification of benign for this disease.

Breakthrough Genomics
Classification: Benign. Review status: criteria provided, single submitter. Criteria: ACMG Guidelines, 2015. Collection method: not provided. Allele origin: germline. Inheritance: Autosomal dominant inheritance. Affected: yes.